The following is an entry in ClinVar:

ClinVar aggregate classification (germline): Uncertain significance. Review status: criteria provided, multiple submitters, no conflicts (2 of 4 stars). 3 submissions from 3 submitters: Uncertain significance (3). Last evaluated 2025-08-17.

Conditions:
Brugada syndrome 3 (BRGDA3). Identifiers: Orphanet 130, MedGen C2678478, MONDO:0012742, OMIM 611875.
Long QT syndrome 8. Identifiers: MedGen CN260585, MONDO:0032756, OMIM 618447.
Timothy syndrome (TS). Also called: LONG QT SYNDROME WITH SYNDACTYLY. Identifiers: Orphanet 65283, MedGen C1832916, MeSH C536962, MONDO:0010979, OMIM 601005.
Cardiovascular phenotype. Identifiers: MedGen CN230736.
Long QT syndrome (LQTS). Identifiers: MedGen C0023976, MeSH D008133, MONDO:0002442. Disease mechanism: loss of function. Inheritance: Various modes of inheritance.

Allele frequency attached by ClinVar (database versions not stated): gnomAD exomes below 0.00001 and 0.00001; ExAC 0.00001; gnomAD 0.00001 and 0.00002; TOPMed 0.00002.
gnomAD v4.1: 12 of 1,613,662 alleles (0.00074%); highest among the groups gnomAD compares: East Asian, 0.0045%; no homozygotes.

Submissions (4):

Labcorp Genetics (formerly Invitae), Labcorp
Classification: Uncertain significance for Long QT syndrome. Last evaluated: 2025-08-17. Review status: criteria provided, single submitter. Criteria: Invitae Variant Classification Sherloc (09022015). Collection method: clinical testing. Allele origin: germline.
Comment: This sequence change replaces valine, which is neutral and non-polar, with methionine, which is neutral and non-polar, at codon 596 of the CACNA1C protein (p.Val596Met). The frequency data for this variant in the population databases is considered unreliable, as metrics indicate poor data quality at this position in the gnomAD database. This missense change has been observed in individual(s) with sick sinus syndrome (PMID: 29568937). ClinVar contains an entry for this variant (Variation ID: 1010231). Invitae Evidence Modeling of protein sequence and biophysical properties (such as structural, functional, and spatial information, amino acid conservation, physicochemical variation, residue mobility, and thermodynamic stability) indicates that this missense variant is expected to disrupt CACNA1C protein function with a positive predictive value of 95%. In summary, the available evidence is currently insufficient to determine the role of this variant in disease. Therefore, it has been classified as a Variant of Uncertain Significance.

Fulgent Genetics
Classification: Uncertain significance for Timothy syndrome; Brugada syndrome 3; Long QT syndrome 8. Last evaluated: 2021-10-15. Review status: criteria provided, single submitter. Criteria: ACMG Guidelines, 2015. Collection method: clinical testing. Allele origin: unknown.

Ambry Genetics
Classification: Uncertain significance for Cardiovascular phenotype. Last evaluated: 2021-03-12. Review status: criteria provided, single submitter. Criteria: Ambry Variant Classification Scheme 2023. Collection method: clinical testing. Allele origin: germline.
Comment: The p.V596M variant (also known as c.1786G>A), located in coding exon 13 of the CACNA1C gene, results from a G to A substitution at nucleotide position 1786. The valine at codon 596 is replaced by methionine, an amino acid with highly similar properties. This alteration has been reported in a proband diagnosed with sick sinus syndrome, but other alterations in arrhythmia-associated genes were also present, and none of the alterations showed complete segregation with disease in the proband's family (Zhu YB et al. Mol Med Rep, 2018 May;17:7073-7080). This amino acid position is highly conserved in available vertebrate species. In addition, this alteration is predicted to be deleterious by in silico analysis. Since supporting evidence is limited at this time, the clinical significance of this alteration remains unclear.

Dr. Peter K. Rogan Lab, Western University
No classification provided (evidence only). Condition: Colon adenocarcinoma. Review status: no classification provided. Collection method: in vitro. Allele origin: not applicable. Functional consequence: retained intron. Not counted in ClinVar's aggregate classification.

Literature cited by the submitters: PubMed 29568937 (cited by Labcorp Genetics (formerly Invitae), Labcorp and Ambry Genetics).

NM_000719.7(CACNA1C):c.1786G>A (p.Val596Met)

Gene: CACNA1C (calcium voltage-gated channel subunit alpha1 C; plus strand). Cytogenetic location: 12p13.33.
Variant type: single nucleotide variant.
Coding change: c.1786G>A on transcript NM_000719.7 (MANE Select); coding-DNA position 1786, G replaced by A.
Protein change: p.Val596Met; replaces valine 596 with methionine.
Molecular consequence: missense variant.
Genome position (GRCh38, 1-based): chr12:2,567,685, G>A. VCF-style: chr12-2567685-G-A. GRCh37 (hg19) VCF-style: chr12-2676851-G-A.
Other names: c.1786G>A, p.Val596Met (NM_001129827.2, NM_001129829.2, NM_001129830.3 and 18 more transcripts); c.1777G>A, p.Val593Met (NM_001129844.2); short protein forms V593M, V596M.
Identifiers: ClinVar variation 1010231 (VCV001010231.9), dbSNP rs768034509, ClinGen allele CA6388855.